The following is an entry in ClinVar:

ClinVar aggregate classification (germline): Uncertain significance (1 of 4 stars; one submission).

Allele frequency attached by ClinVar (database versions not stated): gnomAD exomes below 0.00001.
gnomAD v4.1: 1 of 1,613,378 alleles (0.000062%); highest among the groups gnomAD compares: Non-Finnish European, 0.000085%; no homozygotes.

Submission:

Ambry Genetics
Classification: Uncertain significance. Last evaluated: 2023-08-13. Review status: criteria provided, single submitter. Criteria: Ambry Variant Classification Scheme 2023. Collection method: clinical testing. Allele origin: germline.
Comment: The p.M202L variant (also known as c.604A>T), located in coding exon 1 of the EGLN1 gene, results from an A to T substitution at nucleotide position 604. The methionine at codon 202 is replaced by leucine, an amino acid with highly similar properties. This amino acid position is conserved. In addition, this alteration is predicted to be tolerated by in silico analysis. Since supporting evidence is limited at this time, the clinical significance of this alteration remains unclear.

NM_022051.3(EGLN1):c.604A>T (p.Met202Leu)

Gene: EGLN1 (egl-9 family hypoxia inducible factor 1; minus strand). Cytogenetic location: 1q42.2.
Variant type: single nucleotide variant.
Coding change: c.604A>T on transcript NM_022051.3 (MANE Select); coding-DNA position 604, A replaced by T.
Protein change: p.Met202Leu; replaces methionine 202 with leucine.
Molecular consequence: missense variant.
Genome position (GRCh38, 1-based): chr1:231,421,285, T>A on the plus strand (A>T on the coding strand, the complement: EGLN1 is on the minus strand). VCF-style: chr1-231421285-T-A. GRCh37 (hg19) VCF-style: chr1-231557031-T-A.
Other names: c.604A>T, p.Met202Leu (NM_001377260.1, NM_001377261.1); short protein forms M202L.
Identifiers: ClinVar variation 2589140 (VCV002589140.2), dbSNP rs2527359343, ClinGen allele CA345236353.